The following is an entry in ClinVar:

NM_020436.5(SALL4):c.1496C>T (p.Thr499Met)

Gene: SALL4 (spalt like transcription factor 4; minus strand). Cytogenetic location: 20q13.2.
Variant type: single nucleotide variant.
Coding change: c.1496C>T on transcript NM_020436.5 (MANE Select); coding-DNA position 1496, C replaced by T.
Protein change: p.Thr499Met; replaces threonine 499 with methionine.
Molecular consequence: missense variant. On other transcripts: intron variant (1).
Genome position (GRCh38, 1-based): chr20:51,790,987, G>A on the plus strand (C>T on the coding strand, the complement: SALL4 is on the minus strand). VCF-style: chr20-51790987-G-A. GRCh37 (hg19) VCF-style: chr20-50407526-G-A.
Other names: c.1150+346C>T (NM_001318031.2); short protein forms T499M.
Identifiers: ClinVar variation 1369285 (VCV001369285.9), dbSNP rs769115027, ClinGen allele CA9912279.
Genomic context (GRCh38, chr20:51,790,987, plus strand): 5'-GGTCCACCCTCACTTTCTGGAGAAGGCCCAGGCTGCAGGTCACCGGGCAAGGAGCCACCC[G>A]TGAGGTCCTTGGGATTAGTCCCCGAAGAAAGATTCTGAGGTAGCCCTACAGAGGTGGTTA-3'
Protein context (NP_065169.1, residues 489-509): LSSGTNPKDL[Thr499Met]GGSLPGDLQP

ClinVar aggregate classification (germline): Uncertain significance. Review status: criteria provided, multiple submitters, no conflicts (2 of 4 stars). 2 submissions from 2 submitters: Uncertain significance (2). Last evaluated 2026-01-27.

Conditions:
Duane-radial ray syndrome (DRRS). Also called: Duane-Radial Ray Syndrome/Okihiro Syndrome; Duane-Radial Ray Syndrome (DRRS) / Okihiro Syndrome; DR SYNDROME; ACRORENOOCULAR SYNDROME; DUANE ANOMALY WITH RADIAL RAY ABNORMALITIES AND DEAFNESS; Okihiro Syndrome. Identifiers: Orphanet 93293, Orphanet 959, MedGen C1623209, MONDO:0011812, OMIM 607323. Disease mechanism: gain of function.
Oculootoradial syndrome (IVIC). Also called: RADIAL RAY DEFECTS, HEARING IMPAIRMENT, EXTERNAL OPHTHALMOPLEGIA, AND THROMBOCYTOPENIA; IVIC syndrome. Identifiers: Orphanet 2307, MedGen C1327918, MONDO:0007836, OMIM 147750.

Allele frequency attached by ClinVar (database versions not stated): TOPMed 0.00002; gnomAD exomes 0.00003 and 0.00002; gnomAD 0.00001; ExAC 0.00002.
gnomAD v4.1: 52 of 1,614,080 alleles (0.0032%); highest among the groups gnomAD compares: Non-Finnish European, 0.0036%; no homozygotes.

Submissions (2):

Labcorp Genetics (formerly Invitae), Labcorp
Classification: Uncertain significance for Duane-radial ray syndrome. Last evaluated: 2026-01-27. Review status: criteria provided, single submitter. Criteria: Invitae Variant Classification Sherloc (09022015). Collection method: clinical testing. Allele origin: germline.
Comment: This sequence change replaces threonine, which is neutral and polar, with methionine, which is neutral and non-polar, at codon 499 of the SALL4 protein (p.Thr499Met). This variant is present in population databases (rs769115027, gnomAD 0.01%). This variant has not been reported in the literature in individuals affected with SALL4-related conditions. ClinVar contains an entry for this variant (Variation ID: 1369285). An algorithm developed to predict the effect of missense changes on protein structure and function outputs the following: PolyPhen-2: "Benign". The methionine amino acid residue is found in multiple mammalian species, which suggests that this missense change does not adversely affect protein function. In summary, the available evidence is currently insufficient to determine the role of this variant in disease. Therefore, it has been classified as a Variant of Uncertain Significance.

Fulgent Genetics
Classification: Uncertain significance for Oculootoradial syndrome; Duane-radial ray syndrome. Last evaluated: 2022-05-16. Review status: criteria provided, single submitter. Criteria: ACMG Guidelines, 2015. Collection method: clinical testing. Allele origin: unknown.